The following is an entry in ClinVar:

ClinVar aggregate classification (germline): Uncertain significance (1 of 4 stars; one submission).

Conditions:
Hyperphosphatasia with impaired intellectual development syndrome 2. Also called: Hyperphosphatasia with intellectual disability syndrome 2; GLYCOSYLPHOSPHATIDYLINOSITOL BIOSYNTHESIS DEFECT 6. Identifiers: Orphanet 247262, MedGen C3553637, MONDO:0013882, OMIM 614749.

Allele frequency attached by ClinVar (database versions not stated): gnomAD exomes 0.00002; ExAC 0.00002; TOPMed 0.00003.
gnomAD v4.1: 18 of 1,614,200 alleles (0.0011%); highest among the groups gnomAD compares: East Asian, 0.018%; no homozygotes.

Submission:

Labcorp Genetics (formerly Invitae), Labcorp
Classification: Uncertain significance for Hyperphosphatasia with impaired intellectual development syndrome 2. Last evaluated: 2021-09-01. Review status: criteria provided, single submitter. Criteria: Invitae Variant Classification Sherloc (09022015). Collection method: clinical testing. Allele origin: germline.
Comment: This sequence change replaces valine with methionine at codon 1060 of the PIGO protein (p.Val1060Met). The valine residue is moderately conserved and there is a small physicochemical difference between valine and methionine. This variant is present in population databases (rs551920425, ExAC 0.02%). This variant has not been reported in the literature in individuals affected with PIGO-related conditions. Algorithms developed to predict the effect of missense changes on protein structure and function are either unavailable or do not agree on the potential impact of this missense change (SIFT: "Tolerated"; PolyPhen-2: "Possibly Damaging"; Align-GVGD: "Class C0"). In summary, the available evidence is currently insufficient to determine the role of this variant in disease. Therefore, it has been classified as a Variant of Uncertain Significance.

NM_032634.4(PIGO):c.3178G>A (p.Val1060Met)

Gene: PIGO (phosphatidylinositol glycan anchor biosynthesis class O; minus strand). Cytogenetic location: 9p13.3.
Variant type: single nucleotide variant.
Coding change: c.3178G>A on transcript NM_032634.4 (MANE Select); coding-DNA position 3178, G replaced by A.
Protein change: p.Val1060Met; replaces valine 1060 with methionine.
Molecular consequence: missense variant.
Genome position (GRCh38, 1-based): chr9:35,089,184, C>T on the plus strand (G>A on the coding strand, the complement: PIGO is on the minus strand). VCF-style: chr9-35089184-C-T. GRCh37 (hg19) VCF-style: chr9-35089181-C-T.
Other names: c.1927G>A, p.Val643Met (NM_001201484.2, NM_152850.4); short protein forms V1060M, V643M.
Identifiers: ClinVar variation 848758 (VCV000848758.7), dbSNP rs551920425, ClinGen allele CA5040217.